The following is an entry in ClinVar:

ClinVar aggregate classification (germline): Uncertain significance. Review status: criteria provided, multiple submitters, no conflicts (2 of 4 stars). 4 submissions from 2 submitters: Uncertain significance (4). Last evaluated 2019-02-14.

Conditions:
Charcot-Marie-Tooth disease type 2D (CMT2D). Also called: Charcot-Marie-Tooth Neuropathy Type 2D; CHARCOT-MARIE-TOOTH DISEASE, AXONAL, TYPE 2D; GARS1 Adolescent- or Early Adult-Onset Hereditary Motor/Sensory Neuropathy (GARS1-HMSN); CHARCOT-MARIE-TOOTH DISEASE, NEURONAL, TYPE 2D. Identifiers: Orphanet 99938, MedGen C1832274, MONDO:0011091, OMIM 601472.
Charcot-Marie-Tooth disease type 2. Also called: Charcot-Marie-Tooth type 2. Identifiers: Orphanet 64746, MedGen C0270914, MONDO:0018993.
Neuronopathy, distal hereditary motor, type 5A (HMND5). Also called: Distal Spinal Muscular Atrophy V; DHMN VA; Distal Spinal Muscular Atrophy V (dSMA-V); NEURONOPATHY, DISTAL HEREDITARY MOTOR, AUTOSOMAL DOMINANT 5. Identifiers: Orphanet 139536, MedGen CN031873, MONDO:0015353, OMIM 600794.
Distal spinal muscular atrophy. Also called: Distal hereditary motor neuronopathy; Distal hereditary motor neuropathy. Identifiers: Orphanet 53739, MedGen C0393541, MONDO:0018894.

Allele frequency attached by ClinVar (database versions not stated): gnomAD exomes below 0.00001.

Submissions (4):

Labcorp Genetics (formerly Invitae), Labcorp
Classification: Uncertain significance for Charcot-Marie-Tooth disease type 2. Last evaluated: 2019-02-14. Review status: criteria provided, single submitter. Criteria: Invitae Variant Classification Sherloc (09022015). Collection method: clinical testing. Allele origin: germline.
Comment: In summary, the available evidence is currently insufficient to determine the role of this variant in disease. Therefore, it has been classified as a Variant of Uncertain Significance. Algorithms developed to predict the effect of missense changes on protein structure and function (SIFT, PolyPhen-2, Align-GVGD) all suggest that this variant is likely to be tolerated, but these predictions have not been confirmed by published functional studies and their clinical significance is uncertain. This variant has not been reported in the literature in individuals with GARS-related disease. This variant is not present in population databases (ExAC no frequency). This sequence change replaces valine with isoleucine at codon 206 of the GARS protein (p.Val206Ile). The valine residue is moderately conserved and there is a small physicochemical difference between valine and isoleucine.

Illumina Laboratory Services, Illumina
Classification: Uncertain significance for Charcot-Marie-Tooth disease type 2D. Last evaluated: 2017-04-27. Review status: criteria provided, single submitter. Criteria: ICSL Variant Classification Criteria 13 December 2019. Collection method: clinical testing. Allele origin: germline.

Illumina Laboratory Services, Illumina
Classification: Uncertain significance for Distal hereditary motor neuronopathy type 5. Last evaluated: 2017-04-27. Review status: criteria provided, single submitter. Criteria: ICSL Variant Classification Criteria 13 December 2019. Collection method: clinical testing. Allele origin: germline.

Illumina Laboratory Services, Illumina
Classification: Uncertain significance for Distal Spinal Muscular Atrophy. Last evaluated: 2017-04-27. Review status: criteria provided, single submitter. Criteria: ICSL Variant Classification Criteria 13 December 2019. Collection method: clinical testing. Allele origin: germline.

NM_002047.4(GARS1):c.616G>A (p.Val206Ile)

Gene: GARS1 (glycyl-tRNA synthetase 1; plus strand). Cytogenetic location: 7p14.3.
Variant type: single nucleotide variant.
Coding change: c.616G>A on transcript NM_002047.4 (MANE Select); coding-DNA position 616, G replaced by A.
Protein change: p.Val206Ile; replaces valine 206 with isoleucine.
Molecular consequence: missense variant.
Genome position (GRCh38, 1-based): chr7:30,603,080, G>A. VCF-style: chr7-30603080-G-A. GRCh37 (hg19) VCF-style: chr7-30642696-G-A.
Other names: c.616G>A (LRG_243t1); c.454G>A, p.Val152Ile (NM_001316772.1); short protein forms V152I, V206I.
Identifiers: ClinVar variation 649537 (VCV000649537.14), dbSNP rs1584026136, ClinGen allele CA367139753.
Genomic context (GRCh38, chr7:30,603,080, plus strand): 5'-ATTTGTTAATTTAGGACCTCTGGCCATGTAGACAAATTTGCTGACTTCATGGTGAAAGAC[G>A]TAAAAAATGGAGAATGTTTTCGTGCTGACCATCTATTAAAAGGTGAGGTTCTTCATCTCC-3'
Protein context (NP_002038.2, residues 196-216): DKFADFMVKD[Val206Ile]KNGECFRADH